The following is an entry in ClinVar:

ClinVar aggregate classification (germline): Uncertain significance. Review status: criteria provided, multiple submitters, no conflicts (2 of 4 stars). 2 submissions from 2 submitters: Uncertain significance (2). Last evaluated 2025-06-07.

Allele frequency attached by ClinVar (database versions not stated): gnomAD exomes 0.00001; ExAC 0.00002; gnomAD 0.00011; TOPMed 0.00011; ESP Exome Variant Server 0.00015.
gnomAD v4.1: 26 of 1,612,412 alleles (0.0016%); highest among the groups gnomAD compares: African/African-American, 0.033%; no homozygotes.

Submissions (2):

Ambry Genetics
Classification: Uncertain significance. Last evaluated: 2025-06-07. Review status: criteria provided, single submitter. Criteria: Ambry Variant Classification Scheme 2023. Collection method: clinical testing. Allele origin: germline.

Labcorp Genetics (formerly Invitae), Labcorp
Classification: Uncertain significance. Last evaluated: 2022-09-30. Review status: criteria provided, single submitter. Criteria: Invitae Variant Classification Sherloc (09022015). Collection method: clinical testing. Allele origin: germline.
Comment: This sequence change replaces isoleucine, which is neutral and non-polar, with methionine, which is neutral and non-polar, at codon 1853 of the SORL1 protein (p.Ile1853Met). This variant is present in population databases (rs376092464, gnomAD 0.04%). In summary, the available evidence is currently insufficient to determine the role of this variant in disease. Therefore, it has been classified as a Variant of Uncertain Significance. Algorithms developed to predict the effect of missense changes on protein structure and function (SIFT, PolyPhen-2, Align-GVGD) all suggest that this variant is likely to be tolerated. This variant has not been reported in the literature in individuals affected with SORL1-related conditions.

NM_003105.6(SORL1):c.5559C>G (p.Ile1853Met)

Gene: SORL1 (sortilin related receptor 1; plus strand). Cytogenetic location: 11q24.1.
Variant type: single nucleotide variant.
Coding change: c.5559C>G on transcript NM_003105.6 (MANE Select); coding-DNA position 5559, C replaced by G.
Protein change: p.Ile1853Met; replaces isoleucine 1853 with methionine.
Molecular consequence: missense variant.
Genome position (GRCh38, 1-based): chr11:121,615,010, C>G. VCF-style: chr11-121615010-C-G. GRCh37 (hg19) VCF-style: chr11-121485719-C-G.
Other names: c.5559C>G (NM_003105.5); short protein forms I1853M.
Identifiers: ClinVar variation 1929338 (VCV001929338.6), dbSNP rs376092464, ClinGen allele CA6329984.